The following is an entry in ClinVar:

NM_000440.3(PDE6A):c.678C>T (p.His226=)

Gene: PDE6A (phosphodiesterase 6A; minus strand). Cytogenetic location: 5q32.
Variant type: single nucleotide variant.
Coding change: c.678C>T on transcript NM_000440.3 (MANE Select); coding-DNA position 678, C replaced by T.
Protein change: p.His226=; no amino-acid change (histidine 226 retained).
Molecular consequence: synonymous variant.
Genome position (GRCh38, 1-based): chr5:149,933,969, G>A on the plus strand (C>T on the coding strand, the complement: PDE6A is on the minus strand). VCF-style: chr5-149933969-G-A. GRCh37 (hg19) VCF-style: chr5-149313532-G-A.
Other names: c.678C>T (NM_000440.2).
Identifiers: ClinVar variation 1666805 (VCV001666805.9), dbSNP rs762172422, ClinGen allele CA3504987.

ClinVar aggregate classification (germline): Likely benign. Review status: criteria provided, multiple submitters, no conflicts (2 of 4 stars). 2 submissions from 2 submitters: Likely benign (2). Last evaluated 2026-05-28.

Conditions:
PDE6A-related disorder. Also called: PDE6A-related condition.

Allele frequency attached by ClinVar (database versions not stated): gnomAD exomes below 0.00001 and 0.00001; ExAC 0.00001; gnomAD 0.00001; TOPMed 0.00001; 1000 Genomes Project 30x 0.00016.
gnomAD v4.1: 16 of 1,613,978 alleles (0.00099%); highest among the groups gnomAD compares: Admixed American, 0.0017%; no homozygotes.

Submissions (2):

PreventionGenetics, part of Exact Sciences
Classification: Likely benign for PDE6A-related condition. Last evaluated: 2026-05-28. Review status: criteria provided, single submitter. Criteria: ACMG Guidelines, 2015. Collection method: clinical testing. Allele origin: germline.
Comment: This variant is classified as likely benign based on ACMG/AMP sequence variant interpretation guidelines (Richards et al. 2015 PMID: 25741868, with internal and published modifications).

Labcorp Genetics (formerly Invitae), Labcorp
Classification: Likely benign. Last evaluated: 2024-11-11. Review status: criteria provided, single submitter. Criteria: Invitae Variant Classification Sherloc (09022015). Collection method: clinical testing. Allele origin: germline.